The following is an entry in ClinVar:

ClinVar aggregate classification (germline): Uncertain significance (1 of 4 stars; one submission).

Submission:

GeneDx
Classification: Uncertain significance. Last evaluated: 2025-07-11. Review status: criteria provided, single submitter. Criteria: GeneDx Variant Classification Process June 2021. Collection method: clinical testing. Allele origin: germline. Affected: yes.
Comment: In silico analysis supports that this missense variant has a deleterious effect on protein structure/function; Has not been previously published as pathogenic or benign to our knowledge

NM_005883.3(APC2):c.5735C>T (p.Pro1912Leu)

Genes: APC2 (APC regulator of Wnt signaling pathway 2; plus strand), LOC130062956 (ATAC-STARR-seq lymphoblastoid silent region 9718; plus strand). Cytogenetic location: 19p13.3.
Variant type: single nucleotide variant.
Coding change: c.5735C>T on transcript NM_005883.3 (MANE Select); coding-DNA position 5735, C replaced by T.
Protein change: p.Pro1912Leu; replaces proline 1912 with leucine.
Molecular consequence: missense variant.
Genome position (GRCh38, 1-based): chr19:1,469,036, C>T. VCF-style: chr19-1469036-C-T. GRCh37 (hg19) VCF-style: chr19-1469035-C-T.
Other names: c.5732C>T, p.Pro1911Leu (NM_001351273.1); short protein forms P1911L, P1912L.
Identifiers: ClinVar variation 4685240 (VCV004685240.1).
Genomic context (GRCh38, chr19:1,469,036, plus strand): 5'-CGGTCACCCAGGCTGCTGGGGCCCTGCCCGGCCCCGGAGCCTCCCCGGTGCCCAAAACGC[C>T]GGCGCGCACCCTTCTGGCGAAGCAGCACAAGACGCAGAGATCGCCCGTGCGGATCCCGTT-3'
Protein context (NP_005874.1, residues 1902-1922): GPGASPVPKT[Pro1912Leu]ARTLLAKQHK